The following is an entry in ClinVar:

NM_001005361.3(DNM2):c.1196+708T>C

Gene: DNM2 (dynamin 2; plus strand). Cytogenetic location: 19p13.2.
Variant type: single nucleotide variant.
Coding change: c.1196+708T>C on transcript NM_001005361.3 (MANE Select); 708 bases into the intron after coding-DNA position 1196, T replaced by C.
Molecular consequence: intron variant. On other transcripts: missense variant (3).
Genome position (GRCh38, 1-based): chr19:10,796,147, T>C. VCF-style: chr19-10796147-T-C. GRCh37 (hg19) VCF-style: chr19-10906823-T-C.
Other names: c.1283T>C, p.Val428Ala (NM_001005360.3, NM_001190716.2, NM_004945.4); c.1196+708T>C (NM_001005362.3); short protein forms V428A.
Identifiers: ClinVar variation 2155888 (VCV002155888.4), dbSNP rs908416851, ClinGen allele CA305281636.

ClinVar aggregate classification (germline): Uncertain significance (1 of 4 stars; one submission).

Conditions:
Charcot-Marie-Tooth disease dominant intermediate B (CMTDIB). Also called: Charcot-Marie-Tooth disease dominant intermediate 1; CMT DI1; Charcot-Marie-Tooth disease dominant intermediate I; CHARCOT-MARIE-TOOTH NEUROPATHY, DOMINANT INTERMEDIATE B. Identifiers: Orphanet 100044, Orphanet 228179, MedGen C1847902, MONDO:0011674, OMIM 606482.

Allele frequency attached by ClinVar (database versions not stated): TOPMed below 0.00001; gnomAD exomes 0.00001.
gnomAD v4.1: 10 of 1,614,174 alleles (0.00062%); highest among the groups gnomAD compares: Non-Finnish European, 0.00085%; no homozygotes.

Submission:

Labcorp Genetics (formerly Invitae), Labcorp
Classification: Uncertain significance for Charcot-Marie-Tooth disease dominant intermediate B. Last evaluated: 2022-11-08. Review status: criteria provided, single submitter. Criteria: Invitae Variant Classification Sherloc (09022015). Collection method: clinical testing. Allele origin: germline.
Comment: In summary, the available evidence is currently insufficient to determine the role of this variant in disease. Therefore, it has been classified as a Variant of Uncertain Significance. Algorithms developed to predict the effect of missense changes on protein structure and function (SIFT, PolyPhen-2, Align-GVGD) all suggest that this variant is likely to be disruptive. This variant has not been reported in the literature in individuals affected with DNM2-related conditions. This variant is not present in population databases (gnomAD no frequency). This sequence change replaces valine, which is neutral and non-polar, with alanine, which is neutral and non-polar, at codon 428 of the DNM2 protein (p.Val428Ala).